The following is an entry in ClinVar:

NM_000384.3(APOB):c.26_33del (p.Leu9fs)

Genes: APOB (apolipoprotein B; minus strand), LOC106560211 (APOB 5' regulatory region; plus strand). Cytogenetic location: 2p24.1.
Variant type: Deletion.
Coding change: c.26_33del on transcript NM_000384.3 (MANE Select); coding-DNA positions 26 to 33, 8 bases deleted (TGGCGCTG; older notation c.26_33delTGGCGCTG).
Protein change: p.Leu9fs; shifts the reading frame from leucine 9.
Molecular consequence: frameshift variant.
Genome position (GRCh38, 1-based): chr2:21,043,913-21,043,920, CAGCGCCA deleted on the plus strand (TGGCGCTG on the coding strand, the reverse complement: APOB is on the minus strand). VCF-style (leftmost placement, unchanged base first): chr2-21043912-GCAGCGCCA-G. GRCh37 (hg19) VCF-style: chr2-21266784-GCAGCGCCA-G.
Other names: short protein forms L9fs.
Identifiers: ClinVar variation 402371 (VCV000402371.4), dbSNP rs1060499842, ClinGen allele CA16609714.

ClinVar aggregate classification (germline): Benign (1 of 4 stars; one submission).

Allele frequency attached by ClinVar (database versions not stated): gnomAD exomes below 0.00001.

Submission:

Laboratory for Molecular Medicine, Mass General Brigham Personalized Medicine
Classification: Benign. Last evaluated: 2016-03-28. Review status: criteria provided, single submitter. Criteria: LMM Criteria. Collection method: clinical testing. Allele origin: germline.
Comment: Variant identified in a genome or exome case(s) and assessed due to predicted null impact of the variant or pathogenic assertions in the literature or databases. Disclaimer: This variant has not undergone full assessment. The following are preliminary notes: Likely rs17240441, a single common 9 bp deletion